The following is an entry in ClinVar:

ClinVar aggregate classification (germline): Uncertain significance. Review status: criteria provided, multiple submitters, no conflicts (2 of 4 stars). 2 submissions from 2 submitters: Uncertain significance (2). Last evaluated 2024-12-04.

Conditions:
Ectodermal dysplasia and immunodeficiency 2. Identifiers: Orphanet 238468, Orphanet 98813, MedGen C2677481, MONDO:0012806, OMIM 612132.
Inborn genetic diseases. Identifiers: MedGen C0950123, MeSH D030342.

gnomAD v4.1: 1 of 1,613,538 alleles (0.000062%); highest among the groups gnomAD compares: Non-Finnish European, 0.000085%; no homozygotes.

Submissions (2):

Ambry Genetics
Classification: Uncertain significance for Inborn genetic diseases. Last evaluated: 2024-12-04. Review status: criteria provided, single submitter. Criteria: Ambry Variant Classification Scheme 2023. Collection method: clinical testing. Allele origin: germline.

Labcorp Genetics (formerly Invitae), Labcorp
Classification: Uncertain significance for Ectodermal dysplasia and immunodeficiency 2. Last evaluated: 2024-08-12. Review status: criteria provided, single submitter. Criteria: Invitae Variant Classification Sherloc (09022015). Collection method: clinical testing. Allele origin: germline.
Comment: This sequence change replaces glutamine, which is neutral and polar, with proline, which is neutral and non-polar, at codon 107 of the NFKBIA protein (p.Gln107Pro). This variant is present in population databases (no rsID available, gnomAD 0.0009%). This variant has not been reported in the literature in individuals affected with NFKBIA-related conditions. An algorithm developed to predict the effect of missense changes on protein structure and function (PolyPhen-2) suggests that this variant is likely to be disruptive. In summary, the available evidence is currently insufficient to determine the role of this variant in disease. Therefore, it has been classified as a Variant of Uncertain Significance.

NM_020529.3(NFKBIA):c.320A>C (p.Gln107Pro)

Gene: NFKBIA (NFKB inhibitor alpha; minus strand). Cytogenetic location: 14q13.2.
Variant type: single nucleotide variant.
Coding change: c.320A>C on transcript NM_020529.3 (MANE Select); coding-DNA position 320, A replaced by C.
Protein change: p.Gln107Pro; replaces glutamine 107 with proline.
Molecular consequence: missense variant.
Genome position (GRCh38, 1-based): chr14:35,403,706, T>G on the plus strand (A>C on the coding strand, the complement: NFKBIA is on the minus strand). VCF-style: chr14-35403706-T-G. GRCh37 (hg19) VCF-style: chr14-35872912-T-G.
Other names: short protein forms Q107P.
Identifiers: ClinVar variation 3405219 (VCV003405219.3).